The following is an entry in ClinVar:

NM_001134831.2(AHI1):c.556G>A (p.Glu186Lys)

Gene: AHI1 (Abelson helper integration site 1; minus strand). Cytogenetic location: 6q23.3.
Variant type: single nucleotide variant.
Coding change: c.556G>A on transcript NM_001134831.2 (MANE Select); coding-DNA position 556, G replaced by A.
Protein change: p.Glu186Lys; replaces glutamic acid 186 with lysine.
Molecular consequence: missense variant.
Genome position (GRCh38, 1-based): chr6:135,466,007, C>T on the plus strand (G>A on the coding strand, the complement: AHI1 is on the minus strand). VCF-style: chr6-135466007-C-T. GRCh37 (hg19) VCF-style: chr6-135787145-C-T.
Other names: c.556G>A, p.Glu186Lys (NM_001134830.2, NM_001134832.2, NM_001350503.2 and 2 more transcripts); c.556G>A (NM_017651.4); short protein forms E186K.
Identifiers: ClinVar variation 2124757 (VCV002124757.2), dbSNP rs1375659573, ClinGen allele CA365751340.

ClinVar aggregate classification (germline): Uncertain significance. Review status: criteria provided, multiple submitters, no conflicts (2 of 4 stars). 2 submissions from 2 submitters: Uncertain significance (2). Last evaluated 2025-04-30.

Conditions:
Inborn genetic diseases. Identifiers: MedGen C0950123, MeSH D030342.
Joubert syndrome. Also called: CEREBELLOPARENCHYMAL DISORDER IV; JOUBERT-BOLTSHAUSER SYNDROME; Familial aplasia of the vermis. Identifiers: Orphanet 475, MedGen C5979921, MONDO:0018772.

gnomAD v4.1: 5 of 1,613,928 alleles (0.00031%); highest among the groups gnomAD compares: Admixed American, 0.0017%; no homozygotes.

Submissions (2):

Ambry Genetics
Classification: Uncertain significance for Inborn genetic diseases. Last evaluated: 2025-04-30. Review status: criteria provided, single submitter. Criteria: Ambry Variant Classification Scheme 2023. Collection method: clinical testing. Allele origin: germline.

Labcorp Genetics (formerly Invitae), Labcorp
Classification: Uncertain significance for Joubert syndrome. Last evaluated: 2022-07-06. Review status: criteria provided, single submitter. Criteria: Invitae Variant Classification Sherloc (09022015). Collection method: clinical testing. Allele origin: germline.
Comment: This sequence change replaces glutamic acid, which is acidic and polar, with lysine, which is basic and polar, at codon 186 of the AHI1 protein (p.Glu186Lys). This variant is present in population databases (no rsID available, gnomAD 0.0009%). This variant has not been reported in the literature in individuals affected with AHI1-related conditions. Advanced modeling of protein sequence and biophysical properties (such as structural, functional, and spatial information, amino acid conservation, physicochemical variation, residue mobility, and thermodynamic stability) performed at Invitae indicates that this missense variant is not expected to disrupt AHI1 protein function. In summary, the available evidence is currently insufficient to determine the role of this variant in disease. Therefore, it has been classified as a Variant of Uncertain Significance.